The following is an entry in ClinVar:

NM_000287.4(PEX6):c.2363-2A>G

Gene: PEX6 (peroxisomal biogenesis factor 6; minus strand). Cytogenetic location: 6p21.1.
Variant type: single nucleotide variant.
Coding change: c.2363-2A>G on transcript NM_000287.4 (MANE Select); the canonical splice acceptor site of the intron before coding-DNA position 2363, A replaced by G.
Molecular consequence: splice acceptor variant.
Genome position (GRCh38, 1-based): chr6:42,965,791, T>C on the plus strand (A>G on the coding strand, the complement: PEX6 is on the minus strand). VCF-style: chr6-42965791-T-C. GRCh37 (hg19) VCF-style: chr6-42933529-T-C.
Other names: c.2099-2A>G (NM_001316313.2).
Identifiers: ClinVar variation 2009257 (VCV002009257.5), dbSNP rs1769772582, ClinGen allele CA364151755.

ClinVar aggregate classification (germline): Likely pathogenic. Review status: criteria provided, multiple submitters, no conflicts (2 of 4 stars). 2 submissions from 2 submitters: Likely pathogenic (2). Last evaluated 2023-08-04.

Conditions:
Peroxisome biogenesis disorder. Identifiers: Orphanet 79189, MedGen C1832200, MONDO:0019234. Disease mechanism: loss of function.
Heimler syndrome 2 (HMLR2). Also called: PEROXISOME BIOGENESIS DISORDER 4C. Identifiers: Orphanet 3220, MedGen C4225267, OMIM 616617, MONDO:0014709.

Submissions (2):

Labcorp Genetics (formerly Invitae), Labcorp
Classification: Likely pathogenic for Peroxisome biogenesis disorder. Last evaluated: 2023-08-04. Review status: criteria provided, single submitter. Criteria: Invitae Variant Classification Sherloc (09022015). Collection method: clinical testing. Allele origin: germline.
Comment: In summary, the currently available evidence indicates that the variant is pathogenic, but additional data are needed to prove that conclusively. Therefore, this variant has been classified as Likely Pathogenic. Algorithms developed to predict the effect of sequence changes on RNA splicing suggest that this variant may disrupt the consensus splice site. ClinVar contains an entry for this variant (Variation ID: 2009257). This variant has not been reported in the literature in individuals affected with PEX6-related conditions. This variant is not present in population databases (gnomAD no frequency). This sequence change affects an acceptor splice site in intron 12 of the PEX6 gene. It is expected to disrupt RNA splicing. Variants that disrupt the donor or acceptor splice site typically lead to a loss of protein function (PMID: 16199547), and loss-of-function variants in PEX6 are known to be pathogenic (PMID: 10408779, 21031596, 31831025).

Baylor Genetics
Classification: Likely pathogenic for Heimler syndrome 2. Last evaluated: 2023-04-12. Review status: criteria provided, single submitter. Criteria: ACMG Guidelines, 2015. Collection method: clinical testing. Allele origin: unknown.

Literature cited by the submitters: PubMed 16199547 (cited by Labcorp Genetics (formerly Invitae), Labcorp); PubMed 10408779 (cited by Labcorp Genetics (formerly Invitae), Labcorp); PubMed 21031596 (cited by Labcorp Genetics (formerly Invitae), Labcorp); PubMed 31831025 (cited by Labcorp Genetics (formerly Invitae), Labcorp).